The following is an entry in ClinVar:

NM_182961.4(SYNE1):c.9494_9495delinsTG (p.Glu3165Val)

Gene: SYNE1 (spectrin repeat containing nuclear envelope protein 1; minus strand). Cytogenetic location: 6q25.2.
Variant type: Indel.
Coding change: c.9494_9495delinsTG on transcript NM_182961.4 (MANE Select); coding-DNA positions 9494 to 9495, AA replaced by TG.
Protein change: p.Glu3165Val; replaces glutamic acid 3165 with valine.
Molecular consequence: missense variant.
Genome position (GRCh38, 1-based): chr6:152,373,049-152,373,050, TT replaced by CA on the plus strand (AA replaced by TG on the coding strand, the reverse complement: SYNE1 is on the minus strand). VCF-style: chr6-152373049-TT-CA. GRCh37 (hg19) VCF-style: chr6-152694184-TT-CA.
Other names: c.9515_9516delinsTG, p.Glu3172Val (NM_033071.5); short protein forms E3165V, E3172V.
Identifiers: ClinVar variation 2040354 (VCV002040354.4), dbSNP rs2490521777, ClinGen allele CA2580075236.

ClinVar aggregate classification (germline): Uncertain significance (1 of 4 stars; one submission).

Conditions:
Emery-Dreifuss muscular dystrophy 4, autosomal dominant (EDMD4). Also called: EMERY-DREIFUSS MUSCULAR DYSTROPHY 4 WITH VARIABLE FEATURES. Identifiers: Orphanet 261, MedGen C2751807, MONDO:0013071, OMIM 612998.
Autosomal recessive ataxia, Beauce type. Also called: SYNE1 Deficiency; Spinocerebellar ataxia, autosomal recessive 8; ATAXIA, RECESSIVE, OF BEAUCE; SYNE1-Related Autosomal Recessive Cerebellar Ataxia. Identifiers: Orphanet 88644, MedGen C1853116, MONDO:0012549, OMIM 610743.

Submission:

Labcorp Genetics (formerly Invitae), Labcorp
Classification: Uncertain significance for Emery-Dreifuss muscular dystrophy 4, autosomal dominant; Autosomal recessive ataxia, Beauce type. Last evaluated: 2024-02-29. Review status: criteria provided, single submitter. Criteria: Invitae Variant Classification Sherloc (09022015). Collection method: clinical testing. Allele origin: germline.
Comment: This sequence change replaces glutamic acid, which is acidic and polar, with valine, which is neutral and non-polar, at codon 3172 of the SYNE1 protein (p.Glu3172Val). Information on the frequency of this variant in the gnomAD database is not available, as this variant may be reported differently in the database. This variant has not been reported in the literature in individuals affected with SYNE1-related conditions. ClinVar contains an entry for this variant (Variation ID: 2040354). An algorithm developed to predict the effect of missense changes on protein structure and function (PolyPhen-2) suggests that this variant is likely to be tolerated. In summary, the available evidence is currently insufficient to determine the role of this variant in disease. Therefore, it has been classified as a Variant of Uncertain Significance.